The following is an entry in ClinVar:

ClinVar aggregate classification (germline): Likely pathogenic (1 of 4 stars; one submission).

Conditions:
Phenylketonuria (PKU). Also called: OLIGOPHRENIA PHENYLPYRUVICA; Phenylketonurias; Phenylketonuria (PKU); FOLLING DISEASE. Identifiers: Orphanet 716, MedGen C0031485, MONDO:0009861, OMIM 261600. Disease mechanism: loss of function.

Submission:

Labcorp Genetics (formerly Invitae), Labcorp
Classification: Likely pathogenic for Phenylketonuria. Last evaluated: 2021-05-17. Review status: criteria provided, single submitter. Criteria: Invitae Variant Classification Sherloc (09022015). Collection method: clinical testing. Allele origin: germline.
Comment: This variant is not present in population databases (ExAC no frequency). This sequence change replaces alanine with glutamic acid at codon 313 of the PAH protein (p.Ala313Glu). The alanine residue is highly conserved and there is a moderate physicochemical difference between alanine and glutamic acid. In summary, the currently available evidence indicates that the variant is pathogenic, but additional data are needed to prove that conclusively. Therefore, this variant has been classified as Likely Pathogenic. This variant disrupts the p.Ala313 amino acid residue in PAH. Other variant(s) that disrupt this residue have been determined to be pathogenic (PMID: 11486900, 30667134, 30648773, 18590700). This suggests that this residue is clinically significant, and that variants that disrupt this residue are likely to be disease-causing. Advanced modeling of protein sequence and biophysical properties (such as structural, functional, and spatial information, amino acid conservation, physicochemical variation, residue mobility, and thermodynamic stability) performed at Invitae indicates that this missense variant is expected to disrupt PAH protein function.

Literature cited by the submitters: PubMed 11486900; PubMed 30667134; PubMed 30648773; PubMed 18590700.

NM_000277.3(PAH):c.938C>A (p.Ala313Glu)

Gene: PAH (phenylalanine hydroxylase; minus strand). Cytogenetic location: 12q23.2.
Variant type: single nucleotide variant.
Coding change: c.938C>A on transcript NM_000277.3 (MANE Select); coding-DNA position 938, C replaced by A.
Protein change: p.Ala313Glu; replaces alanine 313 with glutamic acid.
Molecular consequence: missense variant.
Genome position (GRCh38, 1-based): chr12:102,846,926, G>T on the plus strand (C>A on the coding strand, the complement: PAH is on the minus strand). VCF-style: chr12-102846926-G-T. GRCh37 (hg19) VCF-style: chr12-103240704-G-T.
Other names: c.938C>A, p.Ala313Glu (NM_001354304.2); short protein forms A313E.
Identifiers: ClinVar variation 1511080 (VCV001511080.6), dbSNP rs62642914, ClinGen allele CA386291666.
Genomic context (GRCh38, chr12:102,846,926, plus strand): 5'-CCATCCACCCAGGGAGAGAAGGGACTTACTGTGGCGAGCTTTTCAATGTATTCATCAGGT[G>T]CACCCAGAGAGGCAAGGCCAATTTCCTGTAATTGGGGGAAAATAGAACCTGTTCTGTTCC-3'
Protein context (NP_000268.1, residues 303-323): SQEIGLASLG[Ala313Glu]PDEYIEKLAT